The following is an entry in ClinVar:

NM_032043.3(BRIP1):c.964del (p.Gln322fs)

Gene: BRIP1 (BRCA1 interacting DNA helicase 1; minus strand). Cytogenetic location: 17q23.2.
Variant type: Deletion.
Coding change: c.964del on transcript NM_032043.3 (MANE Select); coding-DNA position 964, one base deleted (C; older notation c.964delC).
Protein change: p.Gln322fs; shifts the reading frame from glutamine 322.
Molecular consequence: frameshift variant.
Genome position (GRCh38, 1-based): chr17:61,801,429, G deleted on the plus strand (C on the coding strand, the reverse complement: BRIP1 is on the minus strand). VCF-style (leftmost placement, unchanged base first): chr17-61801428-TG-T. GRCh37 (hg19) VCF-style: chr17-59878789-TG-T.
Other names: short protein forms Q322fs.
Identifiers: ClinVar variation 2036446 (VCV002036446.8), dbSNP rs2545156145, ClinGen allele CA2580094631.

ClinVar aggregate classification (germline): Pathogenic. Review status: criteria provided, multiple submitters, no conflicts (2 of 4 stars). 3 submissions from 3 submitters: Pathogenic (3). Last evaluated 2023-06-01.

Conditions:
Hereditary cancer-predisposing syndrome. Also called: Tumor predisposition; Hereditary neoplastic syndrome; Neoplastic Syndromes, Hereditary; Hereditary Cancer Syndrome. Identifiers: Orphanet 140162, MedGen C0027672, MeSH D009386, MONDO:0015356.
Familial cancer of breast. Also called: Hereditary breast cancer; hereditary breast carcinoma; BREAST CANCER, FAMILIAL. Identifiers: Orphanet 227535, MedGen C0346153, MONDO:0016419, OMIM 114480. Disease mechanism: loss of function.
Fanconi anemia complementation group J. Also called: BRIP1-Related Fanconi Anemia. Identifiers: Orphanet 84, MedGen C1836860, MONDO:0012187, OMIM 609054.

Submissions (3):

Myriad Genetics, Inc.
Classification: Pathogenic for Familial cancer of breast. Last evaluated: 2023-06-01. Review status: criteria provided, single submitter. Criteria: Myriad Autosomal Dominant, Autosomal Recessive and X-Linked Classification Criteria (2023). Collection method: clinical testing. Allele origin: unknown.
Comment: This variant is considered pathogenic. This variant creates a frameshift predicted to result in premature protein truncation.

Ambry Genetics
Classification: Pathogenic for Hereditary cancer-predisposing syndrome. Last evaluated: 2023-05-25. Review status: criteria provided, single submitter. Criteria: Ambry Variant Classification Scheme 2023. Collection method: clinical testing. Allele origin: germline.
Comment: The c.964delC variant, located in coding exon 7 of the BRIP1 gene, results from a deletion of one nucleotide at nucleotide position 964, causing a translational frameshift with a predicted alternate stop codon (p.Q322Sfs*16). This variant is considered to be rare based on population cohorts in the Genome Aggregation Database (gnomAD). This alteration is expected to result in loss of function by premature protein truncation or nonsense-mediated mRNA decay. As such, this alteration is interpreted as a disease-causing mutation.

Labcorp Genetics (formerly Invitae), Labcorp
Classification: Pathogenic for Familial cancer of breast; Fanconi anemia complementation group J. Last evaluated: 2022-10-21. Review status: criteria provided, single submitter. Criteria: Invitae Variant Classification Sherloc (09022015). Collection method: clinical testing. Allele origin: germline.
Comment: This sequence change creates a premature translational stop signal (p.Gln322Serfs*16) in the BRIP1 gene. It is expected to result in an absent or disrupted protein product. Loss-of-function variants in BRIP1 are known to be pathogenic (PMID: 16116423, 17033622, 21964575). This variant is not present in population databases (gnomAD no frequency). This variant has not been reported in the literature in individuals affected with BRIP1-related conditions. Algorithms developed to predict the effect of sequence changes on RNA splicing suggest that this variant may disrupt the consensus splice site. For these reasons, this variant has been classified as Pathogenic.

Literature cited by the submitters: PubMed 16116423 (cited by Labcorp Genetics (formerly Invitae), Labcorp); PubMed 17033622 (cited by Labcorp Genetics (formerly Invitae), Labcorp); PubMed 21964575 (cited by Labcorp Genetics (formerly Invitae), Labcorp).